The following is an entry in ClinVar:

ClinVar aggregate classification (germline): Uncertain significance (1 of 4 stars; one submission).

Conditions:
Combined immunodeficiency due to ORAI1 deficiency. Also called: IMMUNODEFICIENCY 9. Identifiers: Orphanet 169090, Orphanet 317428, MedGen C2748568, MONDO:0013007, OMIM 612782.
Myopathy, tubular aggregate, 2 (TAM2). Identifiers: MedGen C4014557, MONDO:0014383, OMIM 615883.

Submission:

Labcorp Genetics (formerly Invitae), Labcorp
Classification: Uncertain significance for Myopathy, tubular aggregate, 2; Combined immunodeficiency due to ORAI1 deficiency. Last evaluated: 2022-03-28. Review status: criteria provided, single submitter. Criteria: Invitae Variant Classification Sherloc (09022015). Collection method: clinical testing. Allele origin: germline.
Comment: This variant, c.200_210delinsTG, is a complex sequence change that results in the deletion of 4 and insertion of 1 amino acid(s) in the ORAI1 protein (p.Asn67_Ser70delinsMet). In summary, the available evidence is currently insufficient to determine the role of this variant in disease. Therefore, it has been classified as a Variant of Uncertain Significance. Experimental studies and prediction algorithms are not available or were not evaluated, and the functional significance of this variant is currently unknown. This variant has not been reported in the literature in individuals affected with ORAI1-related conditions. Information on the frequency of this variant in the gnomAD database is not available, as this variant may be reported differently in the database.

NC_000012.12:g.121626947_121626957delinsTG

Genes: ORAI1 (ORAI calcium release-activated calcium modulator 1; plus strand), LOC130008987 (ATAC-STARR-seq lymphoblastoid silent region 4981; plus strand). Cytogenetic location: 12q24.31.
Variant type: Indel.
Genome position: GRCh38 VCF-style: chr12-121626947-ACGAGCACTCC-TG. GRCh37 (hg19) VCF-style: chr12-122064853-ACGAGCACTCC-TG.
Other names: c.200_210delACGAGCACTCCinsTG, p.Asn67_Ser70delinsMet (NM_032790.4).
Identifiers: ClinVar variation 2118143 (VCV002118143.4), dbSNP rs2503522556, ClinGen allele CA2580085917.